The following is an entry in ClinVar:

ClinVar aggregate classification (germline): Conflicting classifications of pathogenicity. Review status: criteria provided, conflicting classifications (1 of 4 stars). 3 submissions from 3 submitters: Uncertain significance (2); Likely benign (1). Last evaluated 2026-01-28.

Conditions:
Inborn genetic diseases. Identifiers: MedGen C0950123, MeSH D030342.
Spastic paraplegia. Identifiers: MedGen C0037772, HP:0001258.

Allele frequency attached by ClinVar (database versions not stated): gnomAD exomes below 0.00001; ExAC 0.00002; gnomAD 0.00007; TOPMed 0.00014; 1000 Genomes Project 30x 0.00031; 1000 Genomes Project 0.00040.
gnomAD v4.1: 13 of 1,610,230 alleles (0.00081%); highest among the groups gnomAD compares: Admixed American, 0.02%; no homozygotes.

Submissions (3):

Labcorp Genetics (formerly Invitae), Labcorp
Classification: Likely benign for Spastic paraplegia. Last evaluated: 2026-01-28. Review status: criteria provided, single submitter. Criteria: Invitae Variant Classification Sherloc (09022015). Collection method: clinical testing. Allele origin: germline.

Ambry Genetics
Classification: Uncertain significance for Inborn genetic diseases. Last evaluated: 2025-05-01. Review status: criteria provided, single submitter. Criteria: Ambry Variant Classification Scheme 2023. Collection method: clinical testing. Allele origin: germline.

Mayo Clinic Laboratories, Mayo Clinic
Classification: Uncertain significance. Last evaluated: 2023-11-07. Review status: criteria provided, single submitter. Criteria: ACMG Guidelines, 2015. Collection method: clinical testing. Allele origin: germline. Observed: 1 variant allele.
Comment: PM2_moderate

NM_014363.6(SACS):c.10454T>C (p.Ile3485Thr)

Gene: SACS (sacsin molecular chaperone; minus strand). Cytogenetic location: 13q12.12.
Variant type: single nucleotide variant.
Coding change: c.10454T>C on transcript NM_014363.6 (MANE Select); coding-DNA position 10454, T replaced by C.
Protein change: p.Ile3485Thr; replaces isoleucine 3485 with threonine.
Molecular consequence: missense variant.
Genome position (GRCh38, 1-based): chr13:23,333,422, A>G on the plus strand (T>C on the coding strand, the complement: SACS is on the minus strand). VCF-style: chr13-23333422-A-G. GRCh37 (hg19) VCF-style: chr13-23907561-A-G.
Other names: p.Ile3485Thr; c.10013T>C, p.Ile3338Thr (NM_001278055.2); c.10454T>C (NM_014363.4); short protein forms I3338T, I3485T.
Identifiers: ClinVar variation 1929660 (VCV001929660.7), dbSNP rs200950824, ClinGen allele CA6910449.